The following is an entry in ClinVar:

ClinVar aggregate classification (germline): Pathogenic (1 of 4 stars; one submission).

Conditions:
Familial cancer of breast. Also called: Hereditary breast cancer; BREAST CANCER, FAMILIAL; hereditary breast carcinoma. Identifiers: Orphanet 227535, MedGen C0346153, MONDO:0016419, OMIM 114480. Disease mechanism: loss of function.

Submission:

Myriad Genetics, Inc.
Classification: Pathogenic for Familial cancer of breast. Last evaluated: 2023-09-06. Review status: criteria provided, single submitter. Criteria: Myriad Autosomal Dominant, Autosomal Recessive and X-Linked Classification Criteria (2023). Collection method: clinical testing. Allele origin: unknown.
Comment: This variant is considered pathogenic. This variant creates a termination codon and is predicted to result in premature protein truncation.

NM_024675.4(PALB2):c.412G>T (p.Glu138Ter)

Gene: PALB2 (partner and localizer of BRCA2; minus strand). Cytogenetic location: 16p12.2.
Variant type: single nucleotide variant.
Coding change: c.412G>T on transcript NM_024675.4 (MANE Select); coding-DNA position 412, G replaced by T.
Protein change: p.Glu138Ter; replaces glutamic acid 138 with a stop codon.
Molecular consequence: nonsense. On other transcripts: 5 prime UTR variant (8), intron variant (3).
Genome position (GRCh38, 1-based): chr16:23,636,134, C>A on the plus strand (G>T on the coding strand, the complement: PALB2 is on the minus strand). VCF-style: chr16-23636134-C-A. GRCh37 (hg19) VCF-style: chr16-23647455-C-A.
Other names: c.352G>T, p.Glu118Ter (NM_001407296.1); c.412G>T, p.Glu138Ter (NM_001407297.1, NM_001407298.1, NM_001407299.1 and 3 more transcripts); c.-474G>T (NM_001407304.1, NM_001407305.1, NM_001407306.1 and 5 more transcripts); c.48+4976G>T (NM_001407314.1); c.-105+4976G>T (NM_001407313.1, NM_001407312.1); short protein forms E118*, E138*.
Identifiers: ClinVar variation 2673850 (VCV002673850.1), dbSNP rs1967048357, ClinGen allele CA395137362.